The following is an entry in ClinVar:

ClinVar aggregate classification (germline): Uncertain significance (1 of 4 stars; one submission).

Submission:

Labcorp Genetics (formerly Invitae), Labcorp
Classification: Uncertain significance. Last evaluated: 2022-12-17. Review status: criteria provided, single submitter. Criteria: Invitae Variant Classification Sherloc (09022015). Collection method: clinical testing. Allele origin: germline.
Comment: In summary, the available evidence is currently insufficient to determine the role of this variant in disease. Therefore, it has been classified as a Variant of Uncertain Significance. Algorithms developed to predict the effect of missense changes on protein structure and function are either unavailable or do not agree on the potential impact of this missense change (SIFT: "Tolerated"; PolyPhen-2: "Possibly Damaging"; Align-GVGD: "Class C15"). This variant has not been reported in the literature in individuals affected with ATR-related conditions. This variant is not present in population databases (gnomAD no frequency). This sequence change replaces glutamic acid, which is acidic and polar, with alanine, which is neutral and non-polar, at codon 2034 of the ATR protein (p.Glu2034Ala).

NM_001184.4(ATR):c.6101A>C (p.Glu2034Ala)

Genes: ATR (ATR checkpoint kinase; minus strand), LOC126806830 (BRD4-independent group 4 enhancer GRCh37_chr3:142203676-142204875; plus strand). Cytogenetic location: 3q23.
Variant type: single nucleotide variant.
Coding change: c.6101A>C on transcript NM_001184.4 (MANE Select); coding-DNA position 6101, A replaced by C.
Protein change: p.Glu2034Ala; replaces glutamic acid 2034 with alanine.
Molecular consequence: missense variant.
Genome position (GRCh38, 1-based): chr3:142,485,260, T>G on the plus strand (A>C on the coding strand, the complement: ATR is on the minus strand). VCF-style: chr3-142485260-T-G. GRCh37 (hg19) VCF-style: chr3-142204102-T-G.
Other names: c.5909A>C, p.Glu1970Ala (NM_001354579.2); short protein forms E1970A, E2034A.
Identifiers: ClinVar variation 2821736 (VCV002821736.3), dbSNP rs2108311568, ClinGen allele CA354809793.